The following is an entry in ClinVar:

ClinVar aggregate classification (germline): Uncertain significance (1 of 4 stars; one submission).

Submission:

GeneDx
Classification: Uncertain significance. Last evaluated: 2017-06-22. Review status: criteria provided, single submitter. Criteria: GeneDx Variant Classification (06012015). Collection method: clinical testing. Allele origin: germline. Affected: yes.
Comment: A variant of uncertain significance has been identified in the ATP6AP2 gene. The c.588+4 A>G variant has not been published as a pathogenic variant, nor has it been reported as a benign variant to our knowledge. The c.588+4 A>G variant was not observed in approximately 6,500 individuals of European and African American ancestry in the NHLBI Exome Sequencing Project, indicating it is not a common benign variant in these populations. This substitution occurs at a position that is conserved across species. Several in-silico splice prediction models predict that c.588+4 A>G damages the natural donor site in intron 6 and creates a cryptic donor site which may supplant the natural donor and lead to abnormal gene splicing. However, in the absence of RNA/functional studies, the actual effect of this sequence change in this individual is unknown. Therefore, based on the currently available information, it is unclear whether this variant is a pathogenic variant or a rare benign variant.

NM_005765.3(ATP6AP2):c.588+4A>G

Gene: ATP6AP2 (ATPase H+ transporting accessory protein 2; plus strand). Cytogenetic location: Xp11.4.
Variant type: single nucleotide variant.
Coding change: c.588+4A>G on transcript NM_005765.3 (MANE Select); 4 bases into the intron after coding-DNA position 588, A replaced by G.
Molecular consequence: intron variant.
Genome position (GRCh38, 1-based): chrX:40,598,738, A>G. VCF-style: chrX-40598738-A-G. GRCh37 (hg19) VCF-style: chrX-40457990-A-G.
Identifiers: ClinVar variation 386945 (VCV000386945.2), dbSNP rs1057522649, ClinGen allele CA16608864.